The following is an entry in ClinVar:

NM_170707.4(LMNA):c.1897G>A (p.Gly633Arg)

Gene: LMNA (lamin A/C; plus strand). Cytogenetic location: 1q22.
Variant type: single nucleotide variant.
Coding change: c.1897G>A on transcript NM_170707.4 (MANE Select); coding-DNA position 1897, G replaced by A.
Protein change: p.Gly633Arg; replaces glycine 633 with arginine.
Molecular consequence: missense variant. On other transcripts: intron variant (1).
Genome position (GRCh38, 1-based): chr1:156,138,686, G>A. VCF-style: chr1-156138686-G-A. GRCh37 (hg19) VCF-style: chr1-156108477-G-A.
Other names: c.1561G>A, p.Gly521Arg (NM_001257374.3, NM_001406989.1); c.1897G>A, p.Gly633Arg (NM_001406983.1, NM_001406985.1, NM_001406991.1); c.1654G>A, p.Gly552Arg (NM_001406986.1, NM_001406987.1); c.1600G>A, p.Gly534Arg (NM_001406988.1); c.1339G>A, p.Gly447Arg (NM_001406990.1, NM_001406993.1, NM_001406995.1 and 2 more transcripts); c.1273G>A, p.Gly425Arg (NM_001406994.1, NM_001406999.1, NM_001407000.1 and 1 more transcripts); c.1818+79G>A (NM_001282626.2); c.1807G>A, p.Gly603Arg (NM_170708.4); short protein forms G521R, G603R, G425R, G552R, G447R, G534R, G633R.
Identifiers: ClinVar variation 3695207 (VCV003695207.2).
Genomic context (GRCh38, chr1:156,138,686, plus strand): 5'-TCTGGCTCTTCTGCCTCCAGTGTCACGGTCACTCGCAGCTACCGCAGTGTGGGGGGCAGT[G>A]GGGGTGGCAGCTTCGGGGACAATCTGGTCACCCGCTCCTACCTCCTGGGCAACTCCAGCC-3'
Protein context (NP_733821.1, residues 623-643): TRSYRSVGGS[Gly633Arg]GGSFGDNLVT

ClinVar aggregate classification (germline): Uncertain significance (1 of 4 stars; one submission).

Conditions:
Charcot-Marie-Tooth disease type 2. Also called: Charcot-Marie-Tooth type 2. Identifiers: Orphanet 64746, MedGen C0270914, MONDO:0018993.

Submission:

Labcorp Genetics (formerly Invitae), Labcorp
Classification: Uncertain significance for Charcot-Marie-Tooth disease type 2. Last evaluated: 2024-09-21. Review status: criteria provided, single submitter. Criteria: Invitae Variant Classification Sherloc (09022015). Collection method: clinical testing. Allele origin: germline.
Comment: This sequence change replaces glycine, which is neutral and non-polar, with arginine, which is basic and polar, at codon 633 of the LMNA protein (p.Gly633Arg). This variant is not present in population databases (gnomAD no frequency). This variant has not been reported in the literature in individuals affected with LMNA-related conditions. Invitae Evidence Modeling of protein sequence and biophysical properties (such as structural, functional, and spatial information, amino acid conservation, physicochemical variation, residue mobility, and thermodynamic stability) indicates that this missense variant is expected to disrupt LMNA protein function with a positive predictive value of 80%. In summary, the available evidence is currently insufficient to determine the role of this variant in disease. Therefore, it has been classified as a Variant of Uncertain Significance.